The following is an entry in ClinVar:

ClinVar aggregate classification (germline): Uncertain significance. Review status: criteria provided, multiple submitters, no conflicts (2 of 4 stars). 2 submissions from 2 submitters: Uncertain significance (2). Last evaluated 2025-05-04.

Allele frequency attached by ClinVar (database versions not stated): gnomAD 0.00001; gnomAD exomes 0.00001; TOPMed 0.00001; ExAC 0.00001.
gnomAD v4.1: 5 of 1,613,948 alleles (0.00031%); highest among the groups gnomAD compares: Non-Finnish European, 0.00042%; no homozygotes.

Submissions (2):

Ambry Genetics
Classification: Uncertain significance. Last evaluated: 2025-05-04. Review status: criteria provided, single submitter. Criteria: Ambry Variant Classification Scheme 2023. Collection method: clinical testing. Allele origin: germline.

Labcorp Genetics (formerly Invitae), Labcorp
Classification: Uncertain significance. Last evaluated: 2022-10-04. Review status: criteria provided, single submitter. Criteria: Invitae Variant Classification Sherloc (09022015). Collection method: clinical testing. Allele origin: germline.
Comment: Algorithms developed to predict the effect of missense changes on protein structure and function output the following: SIFT: "Tolerated"; PolyPhen-2: "Probably Damaging"; Align-GVGD: "Class C0". The arginine amino acid residue is found in multiple mammalian species, which suggests that this missense change does not adversely affect protein function. This variant has not been reported in the literature in individuals affected with HMCN1-related conditions. This variant is present in population databases (rs776361996, gnomAD 0.0009%). This sequence change replaces glycine, which is neutral and non-polar, with arginine, which is basic and polar, at codon 3659 of the HMCN1 protein (p.Gly3659Arg). In summary, the available evidence is currently insufficient to determine the role of this variant in disease. Therefore, it has been classified as a Variant of Uncertain Significance.

NM_031935.3(HMCN1):c.10975G>A (p.Gly3659Arg)

Gene: HMCN1 (hemicentin 1; plus strand). Cytogenetic location: 1q31.1.
Variant type: single nucleotide variant.
Coding change: c.10975G>A on transcript NM_031935.3 (MANE Select); coding-DNA position 10975, G replaced by A.
Protein change: p.Gly3659Arg; replaces glycine 3659 with arginine.
Molecular consequence: missense variant.
Genome position (GRCh38, 1-based): chr1:186,108,583, G>A. VCF-style: chr1-186108583-G-A. GRCh37 (hg19) VCF-style: chr1-186077715-G-A.
Other names: c.10975G>A (NM_031935.2); short protein forms G3659R.
Identifiers: ClinVar variation 2187867 (VCV002187867.5), dbSNP rs776361996, ClinGen allele CA1293871.